The following is an entry in ClinVar:

NM_006005.3(WFS1):c.1804G>A (p.Ala602Thr)

Gene: WFS1 (wolframin ER transmembrane glycoprotein; plus strand). Cytogenetic location: 4p16.1.
Variant type: single nucleotide variant.
Coding change: c.1804G>A on transcript NM_006005.3 (MANE Select); coding-DNA position 1804, G replaced by A.
Protein change: p.Ala602Thr; replaces alanine 602 with threonine.
Molecular consequence: missense variant.
Genome position (GRCh38, 1-based): chr4:6,301,599, G>A. VCF-style: chr4-6301599-G-A. GRCh37 (hg19) VCF-style: chr4-6303326-G-A.
Other names: c.1804G>A, p.Ala602Thr (NM_001145853.1); short protein forms A602T.
Identifiers: ClinVar variation 2654621 (VCV002654621.26), dbSNP rs2474194932, ClinGen allele CA356176874.

ClinVar aggregate classification (germline): Uncertain significance. Review status: criteria provided, multiple submitters, no conflicts (2 of 4 stars). 2 submissions from 2 submitters: Uncertain significance (2). Last evaluated 2024-10-14.

Allele frequency attached by ClinVar (database versions not stated): gnomAD exomes below 0.00001.
gnomAD v4.1: 1 of 1,614,148 alleles (0.000062%); highest among the groups gnomAD compares: Non-Finnish European, 0.000085%; no homozygotes.

Submissions (2):

Labcorp Genetics (formerly Invitae), Labcorp
Classification: Uncertain significance. Last evaluated: 2024-10-14. Review status: criteria provided, single submitter. Criteria: Invitae Variant Classification Sherloc (09022015). Collection method: clinical testing. Allele origin: germline.
Comment: This sequence change replaces alanine, which is neutral and non-polar, with threonine, which is neutral and polar, at codon 602 of the WFS1 protein (p.Ala602Thr). This variant is not present in population databases (gnomAD no frequency). This variant has not been reported in the literature in individuals affected with WFS1-related conditions. ClinVar contains an entry for this variant (Variation ID: 2654621). Invitae Evidence Modeling of protein sequence and biophysical properties (such as structural, functional, and spatial information, amino acid conservation, physicochemical variation, residue mobility, and thermodynamic stability) indicates that this missense variant is not expected to disrupt WFS1 protein function with a negative predictive value of 80%. In summary, the available evidence is currently insufficient to determine the role of this variant in disease. Therefore, it has been classified as a Variant of Uncertain Significance.

CeGaT Center for Human Genetics Tuebingen
Classification: Uncertain significance. Last evaluated: 2022-11-01. Review status: criteria provided, single submitter. Criteria: CeGaT Center For Human Genetics Tuebingen Variant Classification Criteria Version 2. Collection method: clinical testing. Allele origin: germline. Affected: yes. Observed: 1 variant allele.
Comment: WFS1: PM2